The following is an entry in ClinVar:

NM_014714.4(IFT140):c.1720T>C (p.Ser574Pro)

Gene: IFT140 (intraflagellar transport 140; minus strand). Cytogenetic location: 16p13.3.
Variant type: single nucleotide variant.
Coding change: c.1720T>C on transcript NM_014714.4 (MANE Select); coding-DNA position 1720, T replaced by C.
Protein change: p.Ser574Pro; replaces serine 574 with proline.
Molecular consequence: missense variant.
Genome position (GRCh38, 1-based): chr16:1,568,267, A>G on the plus strand (T>C on the coding strand, the complement: IFT140 is on the minus strand). VCF-style: chr16-1568267-A-G. GRCh37 (hg19) VCF-style: chr16-1618268-A-G.
Other names: short protein forms S574P.
Identifiers: ClinVar variation 1014029 (VCV001014029.9), dbSNP rs2033831042, ClinGen allele CA394207327.

ClinVar aggregate classification (germline): Uncertain significance (1 of 4 stars; one submission).

Conditions:
Saldino-Mainzer syndrome (SRTD9). Also called: CONORENAL SYNDROME; Renal dysplasia, retinal pigmentary dystrophy, cerebellar ataxia and skeletal dysplasia; short-rib thoracic dysplasia 9 with or without polydactyly; SHORT-RIB THORACIC DYSPLASIA 9 WITHOUT POLYDACTYLY. Identifiers: Orphanet 140969, MedGen C1849437, MONDO:0009964, OMIM 266920.

Submission:

Labcorp Genetics (formerly Invitae), Labcorp
Classification: Uncertain significance for Saldino-Mainzer syndrome. Last evaluated: 2024-07-29. Review status: criteria provided, single submitter. Criteria: Invitae Variant Classification Sherloc (09022015). Collection method: clinical testing. Allele origin: germline.
Comment: This sequence change replaces serine, which is neutral and polar, with proline, which is neutral and non-polar, at codon 574 of the IFT140 protein (p.Ser574Pro). This variant is not present in population databases (gnomAD no frequency). This variant has not been reported in the literature in individuals affected with IFT140-related conditions. ClinVar contains an entry for this variant (Variation ID: 1014029). Advanced modeling of protein sequence and biophysical properties (such as structural, functional, and spatial information, amino acid conservation, physicochemical variation, residue mobility, and thermodynamic stability) has been performed at Invitae for this missense variant, however the output from this modeling did not meet the statistical confidence thresholds required to predict the impact of this variant on IFT140 protein function. In summary, the available evidence is currently insufficient to determine the role of this variant in disease. Therefore, it has been classified as a Variant of Uncertain Significance.